The following is an entry in ClinVar:

ClinVar aggregate classification (germline): Uncertain significance (1 of 4 stars; one submission).

Allele frequency attached by ClinVar (database versions not stated): gnomAD exomes below 0.00001.
gnomAD v4.1: 1 of 1,614,188 alleles (0.000062%); highest among the groups gnomAD compares: East Asian, 0.0022%; no homozygotes.

Submission:

GeneDx
Classification: Uncertain significance. Last evaluated: 2022-12-01. Review status: criteria provided, single submitter. Criteria: GeneDx Variant Classification Process June 2021. Collection method: clinical testing. Allele origin: germline. Affected: yes.
Comment: Not observed at significant frequency in large population cohorts (gnomAD); Missense variants in this gene are often considered pathogenic (HGMD); In silico analysis supports that this missense variant has a deleterious effect on protein structure/function; Has not been previously published as pathogenic or benign to our knowledge

NM_170665.4(ATP2A2):c.710A>G (p.Asp237Gly)

Gene: ATP2A2 (ATPase sarcoplasmic/endoplasmic reticulum Ca2+ transporting 2; plus strand). Cytogenetic location: 12q24.11.
Variant type: single nucleotide variant.
Coding change: c.710A>G on transcript NM_170665.4 (MANE Select); coding-DNA position 710, A replaced by G.
Protein change: p.Asp237Gly; replaces aspartic acid 237 with glycine.
Molecular consequence: missense variant.
Genome position (GRCh38, 1-based): chr12:110,327,632, A>G. VCF-style: chr12-110327632-A-G. GRCh37 (hg19) VCF-style: chr12-110765437-A-G.
Other names: c.605A>G, p.Asp202Gly (NM_001413013.1); c.710A>G, p.Asp237Gly (NM_001413014.1, NM_001681.4); c.335A>G, p.Asp112Gly (NM_001413015.1); short protein forms D112G, D202G, D237G.
Identifiers: ClinVar variation 2504531 (VCV002504531.1), dbSNP rs1877941059, ClinGen allele CA386667062.
Genomic context (GRCh38, chr12:110,327,632, plus strand): 5'-GGAAAGCTATGGGAGTGGTGGTAGCAACTGGAGTTAACACCGAAATTGGCAAGATCCGGG[A>G]TGAAATGGTGGCAACAGAACAGGAGAGAACACCCCTTCAGCAAAAACTAGATGAATTTGG-3'
Protein context (NP_733765.1, residues 227-247): GVNTEIGKIR[Asp237Gly]EMVATEQERT